The following is an entry in ClinVar:

ClinVar aggregate classification (germline): Pathogenic (1 of 4 stars; one submission).

Conditions:
Primary ciliary dyskinesia. Also called: Ciliary dyskinesia. Identifiers: Orphanet 244, MedGen C0008780, MONDO:0016575, HP:0012265.

Submission:

Labcorp Genetics (formerly Invitae), Labcorp
Classification: Pathogenic for Primary ciliary dyskinesia. Last evaluated: 2023-08-16. Review status: criteria provided, single submitter. Criteria: Invitae Variant Classification Sherloc (09022015). Collection method: clinical testing. Allele origin: germline.
Comment: For these reasons, this variant has been classified as Pathogenic. This variant disrupts a region of the RPGR (ORF15) protein in which other variant(s) (p.Leu1130Lysfs*13) have been determined to be pathogenic (PMID: 22264887). This suggests that this is a clinically significant region of the protein, and that variants that disrupt it are likely to be disease-causing. This variant has not been reported in the literature in individuals affected with RPGR (ORF15)-related conditions. This variant is not present in population databases (gnomAD no frequency). This sequence change creates a premature translational stop signal (p.Glu740Glyfs*28) in the RPGR (ORF15) gene. While this is not anticipated to result in nonsense mediated decay, it is expected to disrupt the last 413 amino acid(s) of the RPGR (ORF15) protein.

Literature cited by the submitters: PubMed 22264887.

NM_001034853.2(RPGR):c.2219_2223del (p.Glu740fs)

Gene: RPGR (retinitis pigmentosa GTPase regulator; minus strand). Cytogenetic location: Xp11.4.
Variant type: Deletion.
Coding change: c.2219_2223del on transcript NM_001034853.2 (MANE Select); coding-DNA positions 2219 to 2223, 5 bases deleted (AAGAG; older notation c.2219_2223delAAGAG).
Protein change: p.Glu740fs; shifts the reading frame from glutamic acid 740.
Molecular consequence: frameshift variant. On other transcripts: intron variant (8).
Genome position (GRCh38, 1-based): chrX:38,286,776-38,286,780, CTCTT deleted on the plus strand (AAGAG on the coding strand, the reverse complement: RPGR is on the minus strand); deleting any 5 consecutive bases within chrX:38,286,776-38,286,782 gives the same sequence; the c. name uses the placement nearest the transcript's 3' end. VCF-style (leftmost placement, unchanged base first): chrX-38286775-CCTCTT-C. GRCh37 (hg19) VCF-style: chrX-38146028-CCTCTT-C.
Other names: c.1569+4179_1569+4183del (NM_001367249.1, NM_001367250.1); c.1902+314_1902+318del (NM_001367245.1); c.1386+4179_1386+4183del (NM_001367251.1); c.1719+314_1719+318del (NM_001367246.1); c.1572+4179_1572+4183del (NM_001367247.1); c.1905+314_1905+318del (NM_000328.3); c.1602+4179_1602+4183del (NM_001367248.1); short protein forms E740fs.
Identifiers: ClinVar variation 2747928 (VCV002747928.3), dbSNP rs2519792808, ClinGen allele CA2697553051.